The following is an entry in ClinVar:

ClinVar aggregate classification (germline): Uncertain significance. Review status: criteria provided, multiple submitters, no conflicts (2 of 4 stars). 2 submissions from 2 submitters: Uncertain significance (2). Last evaluated 2023-04-19.

Conditions:
Cardiomyopathy (CMYO). Also called: Cardiomyopathies. Identifiers: Orphanet 167848, MedGen C0878544, MONDO:0004994, HP:0001638. Inheritance: Various modes of inheritance.

Submissions (2):

CHEO Genetics Diagnostic Laboratory, Children's Hospital of Eastern Ontario
Classification: Uncertain significance for Cardiomyopathy. Last evaluated: 2023-04-19. Review status: criteria provided, single submitter. Criteria: ACMG Guidelines, 2015. Collection method: clinical testing. Allele origin: germline.

Color Diagnostics, LLC DBA Color Health
Classification: Uncertain significance for Cardiomyopathy. Last evaluated: 2020-06-29. Review status: criteria provided, single submitter. Criteria: ACMG Guidelines, 2015. Collection method: clinical testing. Allele origin: germline.
Comment: This variant deletes 3 nucleotides at -8 position in intron 2 of the TNNI3 gene. Splice site prediction tools are inconclusive regarding the impact of this variant on RNA splicing. To our knowledge, functional studies have not been reported for this variant. This variant has not been reported in individuals affected with cardiovascular disorders in the literature. This variant has not been identified in the general population by the Genome Aggregation Database (gnomAD). The available evidence is insufficient to determine the role of this variant in disease conclusively. Therefore, this variant is classified as a Variant of Uncertain Significance.

NM_000363.5(TNNI3):c.25-10_25-8del

Gene: TNNI3 (troponin I3, cardiac type; minus strand). Cytogenetic location: 19q13.42.
Variant type: Microsatellite.
Coding change: c.25-10_25-8del on transcript NM_000363.5 (MANE Select); 10 bases into the intron before coding-DNA position 25 through 8 bases into the intron before coding-DNA position 25, 3 bases deleted (CCT; older notation c.25-10_25-8delCCT).
Molecular consequence: intron variant.
Genome position (GRCh38, 1-based): chr19:55,157,141-55,157,143, AGG deleted on the plus strand (CCT on the coding strand, the reverse complement: TNNI3 is on the minus strand); deleting any 3 consecutive bases within chr19:55,157,141-55,157,148 gives the same sequence; the c. name uses the placement nearest the transcript's 3' end. VCF-style (leftmost placement, unchanged base first): chr19-55157140-TAGG-T. GRCh37 (hg19) VCF-style: chr19-55668508-TAGG-T.
Identifiers: ClinVar variation 1171459 (VCV001171459.5), dbSNP rs2147286052, ClinGen allele CA2580614978.